The following is an entry in ClinVar:

NM_001267550.2(TTN):c.86420G>A (p.Arg28807His)

Genes: TTN (titin; minus strand), TTN-AS1 (TTN antisense RNA 1; plus strand). Cytogenetic location: 2q31.2.
Variant type: single nucleotide variant.
Coding change: c.86420G>A on transcript NM_001267550.2 (MANE Select); coding-DNA position 86420, G replaced by A.
Protein change: p.Arg28807His; replaces arginine 28807 with histidine.
Molecular consequence: missense variant.
Genome position (GRCh38, 1-based): chr2:178,559,712, C>T on the plus strand (G>A on the coding strand, the complement: TTN is on the minus strand). VCF-style: chr2-178559712-C-T. GRCh37 (hg19) VCF-style: chr2-179424439-C-T.
Other names: p.R27166H:CGT>CAT; c.81497G>A, p.Arg27166His (NM_001256850.1); c.59225G>A, p.Arg19742His (NM_003319.4); c.78716G>A, p.Arg26239His (NM_133378.4); c.59600G>A, p.Arg19867His (NM_133432.3); c.59801G>A, p.Arg19934His (NM_133437.4); short protein forms R27166H, R28807H, R19934H, R19867H, R26239H, R19742H.
Identifiers: ClinVar variation 202933 (VCV000202933.17), dbSNP rs375800916, ClinGen allele CA310731.
Genomic context (GRCh38, chr2:178,559,712, plus strand): 5'-ATTGTTAATGTGTACTTTCCAGAGTCATTTCTGTTGGCATTTTCAATGGTCAGTGATGTA[C>T]GAGAGTCTGTGGTATCAACATAAGCTCTAGTACGGAGGTCAGTGTCTGGCTTACTCCACA-3'
Protein context (NP_001254479.2, residues 28797-28817): TRAYVDTTDS[Arg28807His]TSLTIENANR

ClinVar aggregate classification (germline): Conflicting classifications of pathogenicity. Review status: criteria provided, conflicting classifications (1 of 4 stars). 12 submissions from 8 submitters: Uncertain significance (8); Likely benign (4). Last evaluated 2026-04-01.

Conditions:
TTN-related disorder. Also called: TTN-related condition; TTN-related disease; TTN-related disorders.
Cardiovascular phenotype. Identifiers: MedGen CN230736.
Autosomal recessive limb-girdle muscular dystrophy type 2J (LGMDR10). Also called: Limb-girdle muscular dystrophy, type 2J; MUSCULAR DYSTROPHY, LIMB-GIRDLE, AUTOSOMAL RECESSIVE 10. Identifiers: Orphanet 140922, MedGen C1837342, MONDO:0012127, OMIM 608807.
Dilated cardiomyopathy 1G (CMD1G). Identifiers: Orphanet 154, MedGen C1858763, MONDO:0011400, OMIM 604145.
Early-onset myopathy with fatal cardiomyopathy (CMYO5). Also called: Salih Myopathy; CONGENITAL MYOPATHY 5 WITH CARDIOMYOPATHY. Identifiers: Orphanet 289377, MedGen C2673677, MONDO:0012714, OMIM 611705. Disease mechanism: loss of function.
Myopathy, myofibrillar, 9, with early respiratory failure (MFM9). Also called: EDSTROM MYOPATHY; MYOPATHY, PROXIMAL, WITH EARLY RESPIRATORY MUSCLE INVOLVEMENT; Myopathy, distal, with early respiratory failure, autosomal dominant; Hereditary myopathy with early respiratory failure. Identifiers: Orphanet 178464, Orphanet 34521, MedGen C1863599, MONDO:0011362, OMIM 603689.
Tibial muscular dystrophy (TMD). Also called: Tibial muscular dystrophy, tardive; UDD MYOPATHY; Udd Distal Myopathy – Tibial Muscular Dystrophy. Identifiers: Orphanet 609, MedGen C1838244, MONDO:0010870, OMIM 600334.

Allele frequency attached by ClinVar (database versions not stated): ExAC 0.00004; gnomAD 0.00004 and 0.00005; gnomAD exomes 0.00005; TOPMed 0.00005; ESP Exome Variant Server 0.00008.
gnomAD v4.1: 340 of 1,603,036 alleles (0.021%); highest among the groups gnomAD compares: Non-Finnish European, 0.028%; no homozygotes.

Submissions (12):

CeGaT Center for Human Genetics Tuebingen
Classification: Uncertain significance. Last evaluated: 2026-04-01. Review status: criteria provided, single submitter. Criteria: CeGaT Center For Human Genetics Tuebingen Variant Classification Criteria Version 2. Collection method: clinical testing. Allele origin: germline. Affected: yes. Observed: 1 variant allele.
Comment: TTN: PM2, BP4

PreventionGenetics, part of Exact Sciences
Classification: Likely benign for TTN-related condition. Last evaluated: 2026-01-06. Review status: criteria provided, single submitter. Criteria: ACMG Guidelines, 2015. Collection method: clinical testing. Allele origin: germline.
Comment: This variant is classified as likely benign based on ACMG/AMP sequence variant interpretation guidelines (Richards et al. 2015 PMID: 25741868, with internal and published modifications).

Women's Health and Genetics/Laboratory Corporation of America, LabCorp
Classification: Uncertain significance. Last evaluated: 2025-07-05. Review status: criteria provided, single submitter. Criteria: LabCorp Variant Classification Summary - May 2015. Collection method: clinical testing. Allele origin: germline.

Blueprint Genetics
Classification: Likely benign. Last evaluated: 2024-05-03. Review status: criteria provided, single submitter. Criteria: ACMG Guidelines, 2015. Collection method: clinical testing. Allele origin: germline.

Ambry Genetics
Classification: Likely benign for Cardiovascular phenotype. Last evaluated: 2020-06-16. Review status: criteria provided, single submitter. Criteria: Ambry Variant Classification Scheme 2023. Collection method: clinical testing. Allele origin: germline.

GeneDx
Classification: Likely benign. Last evaluated: 2018-09-06. Review status: criteria provided, single submitter. Criteria: GeneDx Variant Classification Process June 2021. Collection method: clinical testing. Allele origin: germline. Affected: yes.

Illumina Laboratory Services, Illumina
Classification: Uncertain significance for Early-onset myopathy with fatal cardiomyopathy. Last evaluated: 2018-01-13. Review status: criteria provided, single submitter. Criteria: ICSL Variant Classification Criteria 13 December 2019. Collection method: clinical testing. Allele origin: germline.

Illumina Laboratory Services, Illumina
Classification: Uncertain significance for Autosomal recessive limb-girdle muscular dystrophy type 2J. Last evaluated: 2018-01-13. Review status: criteria provided, single submitter. Criteria: ICSL Variant Classification Criteria 13 December 2019. Collection method: clinical testing. Allele origin: germline.

Illumina Laboratory Services, Illumina
Classification: Uncertain significance for Dilated cardiomyopathy 1G. Last evaluated: 2018-01-13. Review status: criteria provided, single submitter. Criteria: ICSL Variant Classification Criteria 13 December 2019. Collection method: clinical testing. Allele origin: germline.

Illumina Laboratory Services, Illumina
Classification: Uncertain significance for Myopathy, myofibrillar, 9, with early respiratory failure. Last evaluated: 2018-01-13. Review status: criteria provided, single submitter. Criteria: ICSL Variant Classification Criteria 13 December 2019. Collection method: clinical testing. Allele origin: germline.

Illumina Laboratory Services, Illumina
Classification: Uncertain significance for Tibial muscular dystrophy. Last evaluated: 2018-01-13. Review status: criteria provided, single submitter. Criteria: ICSL Variant Classification Criteria 13 December 2019. Collection method: clinical testing. Allele origin: germline.

Labcorp Genetics (formerly Invitae), Labcorp
Classification: Uncertain significance for Dilated cardiomyopathy 1G; Autosomal recessive limb-girdle muscular dystrophy type 2J. Last evaluated: 2016-10-12. Review status: criteria provided, single submitter. Criteria: Invitae Variant Classification Sherloc (09022015). Collection method: clinical testing. Allele origin: germline.